The following is an entry in ClinVar:

ClinVar aggregate classification (germline): Uncertain significance. Review status: criteria provided, multiple submitters, no conflicts (2 of 4 stars). 2 submissions from 2 submitters: Uncertain significance (2). Last evaluated 2025-10-15.

Conditions:
Cardiovascular phenotype. Identifiers: MedGen CN230736.
Legius syndrome. Identifiers: Orphanet 137605, MedGen C1969623, MONDO:0012669, OMIM 611431. Disease mechanism: loss of function.

gnomAD v4.1: 1 of 1,614,010 alleles (0.000062%); highest among the groups gnomAD compares: African/African-American, 0.0013%; no homozygotes.

Submissions (2):

Ambry Genetics
Classification: Uncertain significance for Cardiovascular phenotype. Last evaluated: 2025-10-15. Review status: criteria provided, single submitter. Criteria: Ambry Variant Classification Scheme 2023. Collection method: clinical testing. Allele origin: germline.
Comment: The p.E299K variant (also known as c.895G>A), located in coding exon 7 of the SPRED1 gene, results from a G to A substitution at nucleotide position 895. The glutamic acid at codon 299 is replaced by lysine, an amino acid with similar properties. This amino acid position is conserved. In addition, this alteration is predicted to be tolerated by in silico analysis. Based on the available evidence, the clinical significance of this variant remains unclear.

Labcorp Genetics (formerly Invitae), Labcorp
Classification: Uncertain significance for Legius syndrome. Last evaluated: 2024-08-27. Review status: criteria provided, single submitter. Criteria: Invitae Variant Classification Sherloc (09022015). Collection method: clinical testing. Allele origin: germline.
Comment: This sequence change replaces glutamic acid, which is acidic and polar, with lysine, which is basic and polar, at codon 299 of the SPRED1 protein (p.Glu299Lys). This variant is not present in population databases (gnomAD no frequency). This variant has not been reported in the literature in individuals affected with SPRED1-related conditions. Invitae Evidence Modeling of protein sequence and biophysical properties (such as structural, functional, and spatial information, amino acid conservation, physicochemical variation, residue mobility, and thermodynamic stability) indicates that this missense variant is not expected to disrupt SPRED1 protein function with a negative predictive value of 80%. In summary, the available evidence is currently insufficient to determine the role of this variant in disease. Therefore, it has been classified as a Variant of Uncertain Significance.

NM_152594.3(SPRED1):c.895G>A (p.Glu299Lys)

Gene: SPRED1 (sprouty related EVH1 domain containing 1; plus strand). Cytogenetic location: 15q14.
Variant type: single nucleotide variant.
Coding change: c.895G>A on transcript NM_152594.3 (MANE Select); coding-DNA position 895, G replaced by A.
Protein change: p.Glu299Lys; replaces glutamic acid 299 with lysine.
Molecular consequence: missense variant.
Genome position (GRCh38, 1-based): chr15:38,351,224, G>A. VCF-style: chr15-38351224-G-A. GRCh37 (hg19) VCF-style: chr15-38643425-G-A.
Other names: c.895G>A (NM_152594.2); short protein forms E299K.
Identifiers: ClinVar variation 3710262 (VCV003710262.3).